The following is an entry in ClinVar:

NM_001009944.3(PKD1):c.2879G>A (p.Gly960Asp)

Gene: PKD1 (polycystin 1, transient receptor potential channel interacting; minus strand). Cytogenetic location: 16p13.3.
Variant type: single nucleotide variant.
Coding change: c.2879G>A on transcript NM_001009944.3 (MANE Select); coding-DNA position 2879, G replaced by A.
Protein change: p.Gly960Asp; replaces glycine 960 with aspartic acid.
Molecular consequence: missense variant.
Genome position (GRCh38, 1-based): chr16:2,113,267, C>T on the plus strand (G>A on the coding strand, the complement: PKD1 is on the minus strand). VCF-style: chr16-2113267-C-T. GRCh37 (hg19) VCF-style: chr16-2163268-C-T.
Other names: c.2879G>A, p.Gly960Asp (NM_000296.4); short protein forms G960D.
Identifiers: ClinVar variation 618804 (VCV000618804.14), dbSNP rs1567208088, ClinGen allele CA394385763.

ClinVar aggregate classification (germline): Conflicting classifications of pathogenicity. Review status: criteria provided, conflicting classifications (1 of 4 stars). 5 submissions from 5 submitters: Likely pathogenic (1); Uncertain significance (3). 1 of the submissions does not count toward it. Last evaluated 2024-02-09.

Conditions:
Autosomal dominant polycystic kidney disease. Identifiers: Orphanet 730, MedGen C0085413, MONDO:0004691.
Polycystic kidney disease. Also called: Kidney, Polycystic; Polycystic kidney dysplasia. Identifiers: MedGen C0022680, MeSH D007690, MONDO:0020642, HP:0000113.

Submissions (5):

GeneDx
Classification: Uncertain significance. Last evaluated: 2024-02-09. Review status: criteria provided, single submitter. Criteria: GeneDx Variant Classification Process June 2021. Collection method: clinical testing. Allele origin: germline. Affected: yes.
Comment: Reported with additional PKD1 variants in patient with in published literature; the authors propose all three PKD1 variants are on the same allele (in cis) (Xue et al., 2022); Not observed at significant frequency in large population cohorts (gnomAD); In silico analysis supports that this missense variant has a deleterious effect on protein structure/function; This variant is associated with the following publications: (PMID: 22383692, 33437033, Xue2022[abstract])

Athena Diagnostics
Classification: Uncertain significance. Last evaluated: 2020-03-03. Review status: criteria provided, single submitter. Criteria: Athena Diagnostics Criteria. Collection method: clinical testing. Allele origin: unknown.

Molecular Genetics of Inherited Kidney Disorders Laboratory, Garvan Institute of Medical Research
Classification: Likely pathogenic for Autosomal dominant polycystic kidney disease. Last evaluated: 2019-01-01. Review status: criteria provided, single submitter. Criteria: ACMG Guidelines, 2015. Collection method: research. Allele origin: germline. Affected: yes.

ARUP Laboratories, Molecular Genetics and Genomics, ARUP Laboratories
Classification: Uncertain significance. Last evaluated: 2017-10-17. Review status: criteria provided, single submitter. Criteria: ARUP Molecular Germline Variant Investigation Process. Collection method: clinical testing. Allele origin: germline.

Department of Pathology and Laboratory Medicine, Sinai Health System
Classification: Uncertain significance for Polycystic Kidney disease. Review status: no assertion criteria provided. Collection method: clinical testing. Allele origin: unknown. Affected: yes. Study: The Canadian Open Genetics Repository (COGR). Not counted in ClinVar's aggregate classification.
Comment: The PKD1 p.Gly960Asp variant was identified in 1 of 460 proband chromosomes (frequency: 0.002) from individuals or families with ADPKD (Rossetti 2012). The variant was also identified in ADPKD Mutation Database (as likely pathogenic) but was not identified in dbSNP, ClinVar, GeneInsight-COGR, or LOVD 3.0, PKD1-LOVD databases. The variant was not identified in the following control databases: the 1000 Genomes Project, the NHLBI GO Exome Sequencing Project, the Exome Aggregation Consortium (August 8th 2016), or the Genome Aggregation Database (Feb 27, 2017). The p.Gly960 residue is conserved across mammals and other organisms, and computational analyses (PolyPhen-2, SIFT, AlignGVGD, BLOSUM, MutationTaster) suggest that the variant may impact the protein; however, this information is not predictive enough to assume pathogenicity. The variant occurs outside of the splicing consensus sequence and in silico or computational prediction software programs (SpliceSiteFinder, MaxEntScan, NNSPLICE, GeneSplicer) do not predict a difference in splicing. In summary, based on the above information the clinical significance of this variant cannot be determined with certainty at this time. This variant is classified as a variant of uncertain significance.

Literature cited by the submitters: PubMed 22383692 (cited by Athena Diagnostics).